The following is an entry in ClinVar:

NM_001283009.2(RTEL1):c.2636G>A (p.Arg879Gln)

Genes: RTEL1-TNFRSF6B (RTEL1-TNFRSF6B readthrough (NMD candidate); plus strand), RTEL1 (regulator of telomere elongation helicase 1; plus strand). Cytogenetic location: 20q13.33.
Variant type: single nucleotide variant.
Coding change: c.2636G>A on transcript NM_001283009.2 (MANE Select); coding-DNA position 2636, G replaced by A.
Protein change: p.Arg879Gln; replaces arginine 879 with glutamine.
Molecular consequence: missense variant. On other transcripts: non-coding transcript variant (1).
Genome position (GRCh38, 1-based): chr20:63,691,821, G>A. VCF-style: chr20-63691821-G-A. GRCh37 (hg19) VCF-style: chr20-62323174-G-A.
Other names: c.2708G>A (NM_032957.4); c.1967G>A, p.Arg656Gln (NM_001283010.1); c.2636G>A, p.Arg879Gln (NM_016434.4); c.2708G>A, p.Arg903Gln (NM_032957.5); short protein forms R656Q, R903Q, R879Q.
Identifiers: ClinVar variation 1361233 (VCV001361233.7), dbSNP rs770539835, ClinGen allele CA9965439.

ClinVar aggregate classification (germline): Uncertain significance. Review status: criteria provided, multiple submitters, no conflicts (2 of 4 stars). 2 submissions from 2 submitters: Uncertain significance (2). Last evaluated 2024-12-19.

Conditions:
Dyskeratosis congenita, autosomal recessive 5 (DKCB5). Identifiers: MedGen C3554656, MONDO:0014076, OMIM 615190.
Pulmonary fibrosis and/or bone marrow failure, Telomere-related, 3. Also called: PULMONARY FIBROSIS AND/OR BONE MARROW FAILURE SYNDROME, TELOMERE-RELATED, 3. Identifiers: Orphanet 2032, MedGen C4225346, MONDO:0014613, OMIM 616373.
Inborn genetic diseases. Identifiers: MedGen C0950123, MeSH D030342.

Allele frequency attached by ClinVar (database versions not stated): TOPMed 0.00002.
gnomAD v4.1: 14 of 1,611,226 alleles (0.00087%); highest among the groups gnomAD compares: Middle Eastern, 0.016%; no homozygotes.

Submissions (2):

Labcorp Genetics (formerly Invitae), Labcorp
Classification: Uncertain significance for Dyskeratosis congenita, autosomal recessive 5; Pulmonary fibrosis and/or bone marrow failure, Telomere-related, 3. Last evaluated: 2024-12-19. Review status: criteria provided, single submitter. Criteria: Invitae Variant Classification Sherloc (09022015). Collection method: clinical testing. Allele origin: germline.
Comment: This sequence change replaces arginine, which is basic and polar, with glutamine, which is neutral and polar, at codon 879 of the RTEL1 protein (p.Arg879Gln). This variant is present in population databases (rs770539835, gnomAD 0.007%). This variant has not been reported in the literature in individuals affected with RTEL1-related conditions. ClinVar contains an entry for this variant (Variation ID: 1361233). An algorithm developed to predict the effect of missense changes on protein structure and function (PolyPhen-2) suggests that this variant is likely to be disruptive. In summary, the available evidence is currently insufficient to determine the role of this variant in disease. Therefore, it has been classified as a Variant of Uncertain Significance.

Ambry Genetics
Classification: Uncertain significance for Inborn genetic diseases. Last evaluated: 2021-07-15. Review status: criteria provided, single submitter. Criteria: Ambry Variant Classification Scheme 2023. Collection method: clinical testing. Allele origin: germline.